The following is an entry in ClinVar:

NM_001042492.3(NF1):c.6147G>C (p.Lys2049Asn)

Gene: NF1 (neurofibromin 1; plus strand). Cytogenetic location: 17q11.2.
Variant type: single nucleotide variant.
Coding change: c.6147G>C on transcript NM_001042492.3 (MANE Select); coding-DNA position 6147, G replaced by C.
Protein change: p.Lys2049Asn; replaces lysine 2049 with asparagine.
Molecular consequence: missense variant.
Genome position (GRCh38, 1-based): chr17:31,336,473, G>C. VCF-style: chr17-31336473-G-C. GRCh37 (hg19) VCF-style: chr17-29663491-G-C.
Other names: c.6084G>C, p.Lys2028Asn (NM_000267.4); short protein forms K2028N, K2049N.
Identifiers: ClinVar variation 431666 (VCV000431666.11), dbSNP rs1135402882, ClinGen allele CA399011590.

ClinVar aggregate classification (germline): Conflicting classifications of pathogenicity. Review status: criteria provided, conflicting classifications (1 of 4 stars). 4 submissions from 4 submitters: Pathogenic (1); Uncertain significance (2). 1 of the submissions does not count toward it. Last evaluated 2024-08-23.

Conditions:
Hereditary cancer-predisposing syndrome. Also called: Hereditary neoplastic syndrome; Tumor predisposition; Neoplastic Syndromes, Hereditary; Hereditary Cancer Syndrome. Identifiers: Orphanet 140162, MedGen C0027672, MeSH D009386, MONDO:0015356.
Cardiovascular phenotype. Identifiers: MedGen CN230736.
Neurofibromatosis, type 1 (NF1). Also called: Neurofibromatosis, type I; NEUROFIBROMATOSIS, TYPE I, SOMATIC; Peripheral type neurofibromatosis; VON RECKLINGHAUSEN DISEASE. Identifiers: Orphanet 636, MedGen C0027831, MONDO:0018975, OMIM 162200. Disease mechanism: loss of function.

Submissions (4):

Ambry Genetics
Classification: Pathogenic for Cardiovascular phenotype; Hereditary cancer-predisposing syndrome. Last evaluated: 2024-08-23. Review status: criteria provided, single submitter. Criteria: Ambry Variant Classification Scheme 2023. Collection method: clinical testing. Allele origin: germline.
Comment: The c.6084G>C pathogenic mutation (also known as p.K2028N), located in coding exon 40 of the NF1 gene, results from a G to C substitution at nucleotide position 6084. The amino acid change results in lysine to asparagine at codon 2028, an amino acid with similar properties. However, this change occurs in the last base pair of coding exon 40, which makes it likely to have some effect on normal mRNA splicing. RNA studies have demonstrated that this alteration results in abnormal splicing in the set of samples tested (Ambry internal data). This variant was reported in multiple individuals with features consistent with neurofibromatosis type 1 (Bianchessi D et al. Mol Genet Genomic Med, 2015 Nov;3:513-25; Paterra R et al. Cancers (Basel), 2022 Dec;15; Ambry internal data). This variant is considered to be rare based on population cohorts in the Genome Aggregation Database (gnomAD). This nucleotide position is well conserved in available vertebrate species. In silico splice site analysis predicts that this alteration may weaken the native splice donor site. Based on the supporting evidence, this variant is interpreted as a disease-causing mutation.

GeneDx
Classification: Uncertain significance. Last evaluated: 2024-04-03. Review status: criteria provided, single submitter. Criteria: GeneDx Variant Classification Process June 2021. Collection method: clinical testing. Allele origin: germline. Affected: yes.
Comment: Observed in an individual with spinal neurofibromatosis not fulfilling clinical criteria for diagnosis (PMID: 36612057, 37751797); Not observed at significant frequency in large population cohorts (gnomAD); In silico analysis is inconclusive as to whether the variant alters gene splicing. In the absence of RNA/functional studies, the actual effect of this sequence change is unknown.; In silico analysis supports that this missense variant has a deleterious effect on protein structure/function; This variant is associated with the following publications: (PMID: 26740943, 37751797, 36612057)

Labcorp Genetics (formerly Invitae), Labcorp
Classification: Uncertain significance for Neurofibromatosis, type 1. Last evaluated: 2020-11-10. Review status: criteria provided, single submitter. Criteria: Invitae Variant Classification Sherloc (09022015). Collection method: clinical testing. Allele origin: germline.
Comment: This sequence change replaces lysine with asparagine at codon 2028 of the NF1 protein (p.Lys2028Asn). The lysine residue is moderately conserved and there is a moderate physicochemical difference between lysine and asparagine. This variant also falls at the last nucleotide of exon 40 of the NF1 coding sequence, which is part of the consensus splice site for this exon. This variant is not present in population databases (ExAC no frequency). This variant has been observed in an individual affected with neurofibromatosis type-1 (PMID: 26740943). ClinVar contains an entry for this variant (Variation ID: 431666). Algorithms developed to predict the effect of missense changes on protein structure and function are either unavailable or do not agree on the potential impact of this missense change (SIFT: "Tolerated"; PolyPhen-2: "Probably Damaging"; Align-GVGD: "Class C0"). Nucleotide substitutions within the consensus splice site are a relatively common cause of aberrant splicing (PMID: 17576681, 9536098). Algorithms developed to predict the effect of sequence changes on RNA splicing suggest that this variant may disrupt the consensus splice site, but this prediction has not been confirmed by published transcriptional studies. In summary, the available evidence is currently insufficient to determine the role of this variant in disease. Therefore, it has been classified as a Variant of Uncertain Significance.

Medical Genetics, University of Parma
Classification: Likely pathogenic for Neurofibromatosis type 1. Last evaluated: 2017-02-02. Review status: no assertion criteria provided. Collection method: clinical testing. Allele origin: germline. Affected: yes. Not counted in ClinVar's aggregate classification.

Literature cited by the submitters: PubMed 26740943 (cited by Ambry Genetics and Labcorp Genetics (formerly Invitae), Labcorp); PubMed 36612057 (cited by Ambry Genetics); PubMed 17576681 (cited by Labcorp Genetics (formerly Invitae), Labcorp); PubMed 9536098 (cited by Labcorp Genetics (formerly Invitae), Labcorp).